The following is an entry in ClinVar:

ClinVar aggregate classification (germline): Pathogenic/Likely pathogenic. Review status: criteria provided, multiple submitters, no conflicts (2 of 4 stars). 10 submissions from 10 submitters: Pathogenic (6); Likely pathogenic (1). 3 of the submissions do not count toward it. Last evaluated 2025-02-12.

Conditions:
Thrombocytopenia 2 (THC2). Also called: ANKRD26-Related Thrombocytopenia. Identifiers: Orphanet 268322, MedGen C1861185, MONDO:0008555, OMIM 188000.
ANKRD26-related disorder. Also called: ANKRD26-related condition.
Thrombocytopenia. Identifiers: MedGen C0040034, MeSH D013921, MONDO:0002049, HP:0001873.

Submissions (10):

Labcorp Genetics (formerly Invitae), Labcorp
Classification: Pathogenic. Last evaluated: 2025-02-12. Review status: criteria provided, single submitter. Criteria: Invitae Variant Classification Sherloc (09022015). Collection method: clinical testing. Allele origin: germline.
Comment: This variant occurs in a non-coding region of the ANKRD26 gene. It does not change the encoded amino acid sequence of the ANKRD26 protein. This variant is not present in population databases (gnomAD no frequency). This variant has been observed in individual(s) with familial thrombocytopenia (PMID: 21211618). It has also been observed to segregate with disease in related individuals. ClinVar contains an entry for this variant (Variation ID: 812727). Algorithms developed to predict the effect of variants on gene product structure and function are not available or were not evaluated for this variant. Experimental studies have shown that this variant affects ANKRD26 function (PMID: 21211618). For these reasons, this variant has been classified as Pathogenic.

Genomic Medicine Center of Excellence, King Faisal Specialist Hospital and Research Centre
Classification: Likely pathogenic for Thrombocytopenia 2. Last evaluated: 2024-12-18. Review status: criteria provided, single submitter. Criteria: ACMG Guidelines, 2015. Collection method: clinical testing. Allele origin: germline.

Blueprint Genetics
Classification: Pathogenic for ANKRD26-related disorders. Last evaluated: 2024-11-22. Review status: criteria provided, single submitter. Criteria: ACMG Guidelines, 2015. Collection method: clinical testing. Allele origin: germline. Affected: yes. Observed: 5 variant alleles.

Mayo Clinic Laboratories, Mayo Clinic
Classification: Pathogenic. Last evaluated: 2024-10-22. Review status: criteria provided, single submitter. Criteria: ACMG Guidelines, 2015. Collection method: clinical testing. Allele origin: germline. Observed: 3 variant alleles.
Comment: PP1_strong, PP5, PM1, PM2_moderate, PS3_supporting, PS4_moderate

Fulgent Genetics
Classification: Pathogenic for Thrombocytopenia 2. Last evaluated: 2021-09-18. Review status: criteria provided, single submitter. Criteria: ACMG Guidelines, 2015. Collection method: clinical testing. Allele origin: unknown.

GeneDx
Classification: Pathogenic. Last evaluated: 2020-03-09. Review status: criteria provided, single submitter. Criteria: GeneDx Variant Classification Process June 2021. Collection method: clinical testing. Allele origin: germline. Affected: yes.
Comment: Functional studies demonstrate a gain of function effect: 5' untranslated region variant resulting in overexpression and increased binding of the KLF3 transcription factor (Pippucci 2011, Fuxman Bass 2015); No data available from control populations to assess the frequency of this variant; This variant is associated with the following publications: (PMID: 22102272, 21467542, 28277066, 28669401, 28976612, 31281687, 23223974, 25910213, 21211618, 32581362, 33726816, 32659145)

ISTH-SSC Genomics in Thrombosis and Hemostasis, KU Leuven, Center for Molecular and Vascular Biology
Classification: Pathogenic for Thrombocytopenia 2. Review status: criteria provided, single submitter. Criteria: ACMG Guidelines, 2015. Collection method: clinical testing. Allele origin: unknown, germline. Affected: yes. Observed: 4 heterozygotes. Clinical features observed: Thrombocytopenia, menorrhagia, post-surgical bleeding, Grandmother died of leukemia.
Comment: GoldVariant submitter: Dr Karyn Mégy, NIHR Bioresource - Cambridge University, UK; Jose María Bastida, Hospital Universitario Salamanca - IBSAL, Spain and Marie-Christine Morel-Kopp, Northern Blood Research Centre, Sydney, Australia

Zotz-Klimas Genetics Lab, MVZ Zotz Klimas
Classification: Pathogenic for Thrombocytopenia 2. Last evaluated: 2023-10-30. Review status: no assertion criteria provided. Collection method: clinical testing. Allele origin: germline. Affected: yes. Not counted in ClinVar's aggregate classification.

OMIM
Classification: Pathogenic for THROMBOCYTOPENIA 2. Last evaluated: 2011-01-07. Review status: no assertion criteria provided. Collection method: literature only. Allele origin: germline. Not counted in ClinVar's aggregate classification.

NIHR Bioresource Rare Diseases, University of Cambridge
Classification: Pathogenic for Thrombocytopenia. Review status: no assertion criteria provided. Collection method: research. Allele origin: unknown. Affected: yes. Observed: 1 variant allele. Not counted in ClinVar's aggregate classification.

Literature cited by the submitters: PubMed 21211618 (cited by 3 submitters); PubMed 24030261 (cited by Mayo Clinic Laboratories, Mayo Clinic); PubMed 24430186 (cited by Mayo Clinic Laboratories, Mayo Clinic); PubMed 28277066 (cited by Mayo Clinic Laboratories, Mayo Clinic); PubMed 28976612 (cited by Mayo Clinic Laboratories, Mayo Clinic); PubMed 31281687 (cited by Mayo Clinic Laboratories, Mayo Clinic); PubMed 32581362 (cited by Mayo Clinic Laboratories, Mayo Clinic and NIHR Bioresource Rare Diseases, University of Cambridge); PubMed 32659145 (cited by Mayo Clinic Laboratories, Mayo Clinic); PubMed 33726816 (cited by Mayo Clinic Laboratories, Mayo Clinic); PubMed 35537115 (cited by Mayo Clinic Laboratories, Mayo Clinic); PubMed 35587581 (cited by Mayo Clinic Laboratories, Mayo Clinic); PubMed 35796010 (cited by Mayo Clinic Laboratories, Mayo Clinic); PubMed 37852929 (cited by Mayo Clinic Laboratories, Mayo Clinic); PubMed 34355501 (cited by ISTH-SSC Genomics in Thrombosis and Hemostasis, KU Leuven, Center for Molecular and Vascular Biology); PubMed 25539746 (cited by ISTH-SSC Genomics in Thrombosis and Hemostasis, KU Leuven, Center for Molecular and Vascular Biology).

NM_014915.3(ANKRD26):c.-128G>A

Gene: ANKRD26 (ankyrin repeat domain 26; minus strand). Cytogenetic location: 10p12.1.
Variant type: single nucleotide variant.
Coding change: c.-128G>A on transcript NM_014915.3 (MANE Select); 128 bases upstream of the start codon, G replaced by A.
Molecular consequence: 5 prime UTR variant.
Genome position (GRCh38, 1-based): chr10:27,100,454, C>T on the plus strand (G>A on the coding strand, the complement: ANKRD26 is on the minus strand). VCF-style: chr10-27100454-C-T. GRCh37 (hg19) VCF-style: chr10-27389383-C-T.
Other names: p.?; -128G-A; c.-128G>A (NM_001256053.2).
Identifiers: ClinVar variation 812727 (VCV000812727.25), dbSNP rs1589393809, ClinGen allele CA913185906.
Genomic context (GRCh38, chr10:27,100,454, plus strand): 5'-ACATAACAAGTCAGCCCCGGCTGGCCGCAGCCTCCCAAAGGAAACTCCGCGGTTTCCAAT[C>T]TCTCCCTCCGGGTTACCAAGCAAGCGATCCCGCTAGACACAAGTGCGCATGCGCACCTCA-3'